The following is an entry in ClinVar:

ClinVar aggregate classification (germline): Uncertain significance (1 of 4 stars; one submission).

Conditions:
Inborn genetic diseases. Identifiers: MedGen C0950123, MeSH D030342.

gnomAD v4.1: 1 of 1,613,544 alleles (0.000062%); highest among the groups gnomAD compares: South Asian, 0.0011%; no homozygotes.

Submission:

Ambry Genetics
Classification: Uncertain significance for Inborn genetic diseases. Last evaluated: 2026-04-13. Review status: criteria provided, single submitter. Criteria: Ambry Variant Classification Scheme 2023. Collection method: clinical testing. Allele origin: germline.
Comment: The p.T60K variant (also known as c.179C>A), located in coding exon 1 of the SAMD9 gene, results from a C to A substitution at nucleotide position 179. The threonine at codon 60 is replaced by lysine, an amino acid with similar properties. This amino acid position is conserved. In addition, this alteration is predicted to be tolerated by in silico analysis. Based on the available evidence, the clinical significance of this variant remains unclear.

NM_017654.4(SAMD9):c.179C>A (p.Thr60Lys)

Gene: SAMD9 (sterile alpha motif domain containing 9; minus strand). Cytogenetic location: 7q21.2.
Variant type: single nucleotide variant.
Coding change: c.179C>A on transcript NM_017654.4 (MANE Select); coding-DNA position 179, C replaced by A.
Protein change: p.Thr60Lys; replaces threonine 60 with lysine.
Molecular consequence: missense variant.
Genome position (GRCh38, 1-based): chr7:93,105,919, G>T on the plus strand (C>A on the coding strand, the complement: SAMD9 is on the minus strand). VCF-style: chr7-93105919-G-T. GRCh37 (hg19) VCF-style: chr7-92735232-G-T.
Other names: c.179C>A, p.Thr60Lys (NM_001193307.2); short protein forms T60K.
Identifiers: ClinVar variation 4863811 (VCV004863811.1).
Genomic context (GRCh38, chr7:93,105,919, plus strand): 5'-TCAATGGCTGTTTTCCGCAATTCTTTGAATAGTTCTTCTATTTGAATAGCTGGTCCATGT[G>T]TGATGCCCATATCAACAAGATGTTCTTTTTTTAACCACTTCAAGACTGCTCCATTCACGT-3'
Protein context (NP_060124.2, residues 50-70): KKEHLVDMGI[Thr60Lys]HGPAIQIEEL